The following is an entry in ClinVar:

ClinVar aggregate classification (germline): Uncertain significance (1 of 4 stars; one submission).

Submission:

GeneDx
Classification: Uncertain significance. Last evaluated: 2025-07-11. Review status: criteria provided, single submitter. Criteria: GeneDx Variant Classification Process June 2021. Collection method: clinical testing. Allele origin: germline. Affected: yes.
Comment: Not observed at significant frequency in large population cohorts (gnomAD); In-frame deletion of 4 amino acid(s) and insertion of 4 different amino acid(s) in a non-repeat region; In silico analysis supports a deleterious effect on protein structure/function; Has not been previously published as pathogenic or benign to our knowledge

NM_007118.4(TRIO):c.5318_5327delinsGCCCCGTGCC (p.Leu1773_Trp1776delinsArgProValPro)

Gene: TRIO (trio Rho guanine nucleotide exchange factor; plus strand). Cytogenetic location: 5p15.2.
Variant type: Indel.
Coding change: c.5318_5327delinsGCCCCGTGCC on transcript NM_007118.4 (MANE Select); coding-DNA positions 5318 to 5327, TGCGCAAGTG replaced by GCCCCGTGCC.
Protein change: p.Leu1773_Trp1776delinsArgProValPro.
Molecular consequence: missense variant. On other transcripts: non-coding transcript variant (1).
Genome position (GRCh38, 1-based): chr5:14,461,133-14,461,142, TGCGCAAGTG replaced by GCCCCGTGCC. VCF-style: chr5-14461133-TGCGCAAGTG-GCCCCGTGCC. GRCh37 (hg19) VCF-style: chr5-14461242-TGCGCAAGTG-GCCCCGTGCC.
Identifiers: ClinVar variation 4685050 (VCV004685050.1).